The following is an entry in ClinVar:

ClinVar aggregate classification (germline): Pathogenic. Review status: criteria provided, multiple submitters, no conflicts (2 of 4 stars). 2 submissions from 2 submitters: Pathogenic (2). Last evaluated 2018-11-05.

Conditions:
Cystic fibrosis (CF). Also called: MUCOVISCIDOSIS. Identifiers: Orphanet 586, MedGen C0010674, MONDO:0009061, OMIM 219700. Disease mechanism: loss of function.

Submissions (2):

Mendelics
Classification: Pathogenic for Cystic fibrosis. Last evaluated: 2018-11-05. Review status: criteria provided, single submitter. Criteria: Mendelics Assertion Criteria 2017. Collection method: clinical testing. Allele origin: unknown. Affected: yes.

Labcorp Genetics (formerly Invitae), Labcorp
Classification: Pathogenic for Cystic fibrosis. Last evaluated: 2018-09-10. Review status: criteria provided, single submitter. Criteria: Invitae Variant Classification Sherloc (09022015). Collection method: clinical testing. Allele origin: germline.
Comment: This sequence change creates a premature translational stop signal (p.Gly1343Alafs*4) in the CFTR gene. It is expected to result in an absent or disrupted protein product. This variant is not present in population databases (ExAC no frequency). This variant has been observed in cohort of individuals affected with cystic fibrosis (PMID: 26708955). Loss-of-function variants in CFTR are known to be pathogenic (PMID: 1695717, 7691345, 9725922). For these reasons, this variant has been classified as Pathogenic.

Literature cited by the submitters: PubMed 26708955 (cited by Labcorp Genetics (formerly Invitae), Labcorp); PubMed 1695717 (cited by Labcorp Genetics (formerly Invitae), Labcorp); PubMed 7691345 (cited by Labcorp Genetics (formerly Invitae), Labcorp); PubMed 9725922 (cited by Labcorp Genetics (formerly Invitae), Labcorp).

NM_000492.4(CFTR):c.4028del (p.Gly1343fs)

Gene: CFTR (CF transmembrane conductance regulator; plus strand). Cytogenetic location: 7q31.2.
Variant type: Deletion.
Coding change: c.4028del on transcript NM_000492.4 (MANE Select); coding-DNA position 4028, one base deleted (G; older notation c.4028delG).
Protein change: p.Gly1343fs; shifts the reading frame from glycine 1343.
Molecular consequence: frameshift variant.
Genome position (GRCh38, 1-based): chr7:117,664,752, G deleted; the last of 5 consecutive G bases (chr7:117,664,748-117,664,752); deleting any one gives the same sequence. VCF-style (leftmost placement, unchanged base first): chr7-117664747-TG-T. GRCh37 (hg19) VCF-style: chr7-117304801-TG-T.
Other names: c.4028delG (NM_000492.3); short protein forms G1343fs.
Identifiers: ClinVar variation 618940 (VCV000618940.10), dbSNP rs397508661, ClinGen allele CA913189946.